The following is an entry in ClinVar:

NM_002435.3(MPI):c.15_16+5del

Gene: MPI (mannose phosphate isomerase; plus strand). Cytogenetic location: 15q24.1.
Variant type: Deletion.
Coding change: c.15_16+5del on transcript NM_002435.3 (MANE Select); coding-DNA position 15 through 5 bases into the intron after coding-DNA position 16, 7 bases deleted (AGGTGAG; older notation c.15_16+5delAGGTGAG).
Molecular consequence: splice donor variant.
Genome position (GRCh38, 1-based): chr15:74,890,088-74,890,094, AGGTGAG deleted; deleting any 7 consecutive bases within chr15:74,890,087-74,890,094 gives the same sequence; the c. name uses the placement nearest the transcript's 3' end. VCF-style (leftmost placement, unchanged base first): chr15-74890086-CGAGGTGA-C. GRCh37 (hg19) VCF-style: chr15-75182427-CGAGGTGA-C.
Other names: c.-135_-134+5del (NM_001330372.2); c.15_16+5del (NM_001289155.2, NM_001289157.2); c.-8_-7+5del (NM_001289156.2).
Identifiers: ClinVar variation 1466269 (VCV001466269.6), dbSNP rs2141194911, ClinGen allele CA2573151153.

ClinVar aggregate classification (germline): Likely pathogenic (1 of 4 stars; one submission).

Conditions:
MPI-congenital disorder of glycosylation. Also called: MPI DEFICIENCY; CONGENITAL DISORDER OF GLYCOSYLATION, TYPE Ib; CDG Ib; MANNOSEPHOSPHATE ISOMERASE DEFICIENCY; PROTEIN-LOSING ENTEROPATHY-HEPATIC FIBROSIS SYNDROME; MPI-CDG. Identifiers: Orphanet 79319, MedGen C1865145, MONDO:0011257, OMIM 602579.

Submission:

Labcorp Genetics (formerly Invitae), Labcorp
Classification: Likely pathogenic for MPI-congenital disorder of glycosylation. Last evaluated: 2020-12-04. Review status: criteria provided, single submitter. Criteria: Invitae Variant Classification Sherloc (09022015). Collection method: clinical testing. Allele origin: germline.
Comment: In summary, the currently available evidence indicates that the variant is pathogenic, but additional data are needed to prove that conclusively. Therefore, this variant has been classified as Likely Pathogenic. Algorithms developed to predict the effect of sequence changes on RNA splicing suggest that this variant may disrupt the consensus splice site, but this prediction has not been confirmed by published transcriptional studies. This variant has not been reported in the literature in individuals with MPI-related conditions. This variant is not present in population databases (ExAC no frequency). This variant results in the deletion of part of exon 1 (c.15_16+5del) of the MPI gene. It is expected to disrupt RNA splicing. Variants that disrupt the donor or acceptor splice site typically lead to a loss of protein function (PMID: 16199547), and loss-of-function variants in MPI are known to be pathogenic (PMID: 19862844).

Literature cited by the submitters: PubMed 16199547; PubMed 19862844.